The following is an entry in ClinVar:

ClinVar aggregate classification (germline): Benign/Likely benign. Review status: criteria provided, multiple submitters, no conflicts (2 of 4 stars). 3 submissions from 3 submitters: Benign (1); Likely benign (1). 1 of the submissions does not count toward it. Last evaluated 2025-12-15.

Conditions:
Inborn genetic diseases. Identifiers: MedGen C0950123, MeSH D030342.
FAT4-related disorder. Also called: FAT4-related condition.

Allele frequency attached by ClinVar (database versions not stated): gnomAD 0.00010 and 0.00020; gnomAD exomes 0.00013 and 0.00058; ExAC 0.00063; 1000 Genomes Project 30x 0.00156; 1000 Genomes Project 0.00180.
gnomAD v4.1: 173 of 1,249,910 alleles (0.014%); highest among the groups gnomAD compares: East Asian, 0.61%; no homozygotes.

Submissions (3):

Labcorp Genetics (formerly Invitae), Labcorp
Classification: Benign. Last evaluated: 2025-12-15. Review status: criteria provided, single submitter. Criteria: Invitae Variant Classification Sherloc (09022015). Collection method: clinical testing. Allele origin: germline.

Ambry Genetics
Classification: Likely benign for Inborn genetic diseases. Last evaluated: 2021-07-15. Review status: criteria provided, single submitter. Criteria: Ambry Variant Classification Scheme 2023. Collection method: clinical testing. Allele origin: germline.

PreventionGenetics, part of Exact Sciences
Classification: Likely benign for FAT4-related condition. Last evaluated: 2021-06-24. Review status: no assertion criteria provided. Collection method: clinical testing. Allele origin: germline. Not counted in ClinVar's aggregate classification.
Comment: This variant is classified as likely benign based on ACMG/AMP sequence variant interpretation guidelines (Richards et al. 2015 PMID: 25741868, with internal and published modifications).

NM_001291303.3(FAT4):c.13088G>T (p.Gly4363Val)

Gene: FAT4 (FAT atypical cadherin 4; plus strand). Cytogenetic location: 4q28.1.
Variant type: single nucleotide variant.
Coding change: c.13088G>T on transcript NM_001291303.3 (MANE Select); coding-DNA position 13088, G replaced by T.
Protein change: p.Gly4363Val; replaces glycine 4363 with valine.
Molecular consequence: missense variant.
Genome position (GRCh38, 1-based): chr4:125,489,904, G>T. VCF-style: chr4-125489904-G-T. GRCh37 (hg19) VCF-style: chr4-126411059-G-T.
Other names: c.13088G>T (NM_001291303.1); c.13085G>T, p.Gly4362Val (NM_001291285.3); c.13082G>T, p.Gly4361Val (NM_024582.6); c.13082G>T (NM_024582.4); short protein forms G4361V, G4362V, G4363V.
Identifiers: ClinVar variation 1169933 (VCV001169933.12), dbSNP rs199797338, ClinGen allele CA3074297.
Genomic context (GRCh38, chr4:125,489,904, plus strand): 5'-GCTCTTTTTTTTTTTTTTTTTTTTTGTAAAAAGCCTTACTCCTTCTTCTTCTCCCAGCAG[G>T]TTTTGATGGCTGCATTGCTTCTATGTGGTATGGTGGAGAAAGTCTTCCTTTCAGCGGGAA-3'
Protein context (NP_001278232.1, residues 4353-4373): NQAHRDAQTA[Gly4363Val]FDGCIASMWY